The following is an entry in ClinVar:

ClinVar aggregate classification (germline): Likely benign. Review status: criteria provided, single submitter (1 of 4 stars). 2 submissions from 2 submitters: Likely benign (1). 1 of the submissions does not count toward it. Last evaluated 2026-01-20.

Conditions:
PKD1L1-related disorder. Also called: PKD1L1-related condition.

Allele frequency attached by ClinVar (database versions not stated): ExAC 0.00007; ESP Exome Variant Server 0.00015; 1000 Genomes Project 30x 0.00016; gnomAD 0.00019; 1000 Genomes Project 0.00020; TOPMed 0.00024.
gnomAD v4.1: 60 of 1,611,504 alleles (0.0037%); highest among the groups gnomAD compares: African/African-American, 0.076%; no homozygotes.

Submissions (2):

Labcorp Genetics (formerly Invitae), Labcorp
Classification: Likely benign. Last evaluated: 2026-01-20. Review status: criteria provided, single submitter. Criteria: Invitae Variant Classification Sherloc (09022015). Collection method: clinical testing. Allele origin: germline.

PreventionGenetics, part of Exact Sciences
Classification: Likely benign for PKD1L1-related condition. Last evaluated: 2021-07-27. Review status: no assertion criteria provided. Collection method: clinical testing. Allele origin: germline. Not counted in ClinVar's aggregate classification.
Comment: This variant is classified as likely benign based on ACMG/AMP sequence variant interpretation guidelines (Richards et al. 2015 PMID: 25741868, with internal and published modifications).

NM_138295.5(PKD1L1):c.6762C>G (p.Arg2254=)

Gene: PKD1L1 (polycystin 1 like 1, transient receptor potential channel interacting; minus strand). Cytogenetic location: 7p12.3.
Variant type: single nucleotide variant.
Coding change: c.6762C>G on transcript NM_138295.5 (MANE Select); coding-DNA position 6762, C replaced by G.
Protein change: p.Arg2254=; no amino-acid change (arginine 2254 retained).
Molecular consequence: synonymous variant.
Genome position (GRCh38, 1-based): chr7:47,827,442, G>C on the plus strand (C>G on the coding strand, the complement: PKD1L1 is on the minus strand). VCF-style: chr7-47827442-G-C. GRCh37 (hg19) VCF-style: chr7-47867040-G-C.
Identifiers: ClinVar variation 3036550 (VCV003036550.3), dbSNP rs148386055, ClinGen allele CA4252334.
Genomic context (GRCh38, chr7:47,827,442, plus strand): 5'-CATCCTCTGTCTGGTGCCCCTCAGCTGGGCCTTGGATGGTGGATGCGCCCAGCGCAGGTG[G>C]CGAGCTTGTTGTCGGGCAGCCAAGACCTGTCAGGGACAAGAGTGCTGTGAGCTGCGGGCT-3'
Protein context (NP_612152.1, residues 2244-2264): EKVLAARQQA[Arg2254=]HLRWAHPPSK